The following is an entry in ClinVar:

NM_005359.6(SMAD4):c.223C>T (p.Gln75Ter)

Gene: SMAD4 (SMAD family member 4; plus strand). Cytogenetic location: 18q21.2.
Variant type: single nucleotide variant.
Coding change: c.223C>T on transcript NM_005359.6 (MANE Select); coding-DNA position 223, C replaced by T.
Protein change: p.Gln75Ter; replaces glutamine 75 with a stop codon.
Molecular consequence: nonsense.
Genome position (GRCh38, 1-based): chr18:51,047,269, C>T. VCF-style: chr18-51047269-C-T. GRCh37 (hg19) VCF-style: chr18-48573639-C-T.
Other names: c.223C>T, p.Gln75Ter (NM_001407041.1, NM_001407042.1, NM_001407043.1); short protein forms Q75*.
Identifiers: ClinVar variation 1788254 (VCV001788254.2), dbSNP rs2144401795, ClinGen allele CA402458092.

ClinVar aggregate classification (germline): Pathogenic (1 of 4 stars; one submission).

Conditions:
Hereditary cancer-predisposing syndrome. Also called: Neoplastic Syndromes, Hereditary; Tumor predisposition; Hereditary Cancer Syndrome; Hereditary neoplastic syndrome. Identifiers: Orphanet 140162, MedGen C0027672, MeSH D009386, MONDO:0015356.
Familial thoracic aortic aneurysm and aortic dissection (TAAD). Also called: Thoracic aortic aneurysms and dissections. Identifiers: Orphanet 91387, MedGen C4707243, MONDO:0019625.

Submission:

Ambry Genetics
Classification: Pathogenic for Hereditary cancer-predisposing syndrome; Familial thoracic aortic aneurysm and aortic dissection. Last evaluated: 2014-09-03. Review status: criteria provided, single submitter. Criteria: Ambry Variant Classification Scheme 2023. Collection method: clinical testing. Allele origin: germline.
Comment: The p.Q75* pathogenic mutation (also known as c.223C>T) located in coding exon 1 of the SMAD4 gene, results from a C to T substitution at nucleotide position 223. This changes the amino acid from a glutamine to a stop codon within coding exon 1. Since premature stop codons are typically deleterious in nature, this alteration is interpreted as a disease-causing mutation (ACMG Recommendations for Standards for Interpretation and Reporting of Sequence Variations. Revision 2007. Genet Med. 2008;10:294).